The following is an entry in ClinVar:

ClinVar aggregate classification (germline): Uncertain significance (1 of 4 stars; one submission).

Conditions:
Muscular dystrophy-dystroglycanopathy (congenital with brain and eye anomalies), type A13. Also called: WALKER-WARBURG SYNDROME OR MUSCLE-EYE-BRAIN DISEASE, B3GNT1-RELATED; Muscular dystrophy-dystroglycanopathy (congenital with brain and eye anomalies), type a, 13. Identifiers: Orphanet 899, MedGen C3809042, MONDO:0014120, OMIM 615287.

Submission:

Labcorp Genetics (formerly Invitae), Labcorp
Classification: Uncertain significance for Muscular dystrophy-dystroglycanopathy (congenital with brain and eye anomalies), type A13. Last evaluated: 2021-10-13. Review status: criteria provided, single submitter. Criteria: Invitae Variant Classification Sherloc (09022015). Collection method: clinical testing. Allele origin: germline.
Comment: Algorithms developed to predict the effect of missense changes on protein structure and function (SIFT, PolyPhen-2, Align-GVGD) all suggest that this variant is likely to be disruptive. This variant has not been reported in the literature in individuals affected with B4GAT1-related conditions. This sequence change replaces glutamic acid with lysine at codon 340 of the B4GAT1 protein (p.Glu340Lys). The glutamic acid residue is highly conserved and there is a small physicochemical difference between glutamic acid and lysine. This variant is not present in population databases (ExAC no frequency). In summary, the available evidence is currently insufficient to determine the role of this variant in disease. Therefore, it has been classified as a Variant of Uncertain Significance.

NM_006876.3(B4GAT1):c.1018G>A (p.Glu340Lys)

Gene: B4GAT1 (beta-1,4-glucuronyltransferase 1; minus strand). Cytogenetic location: 11q13.2.
Variant type: single nucleotide variant.
Coding change: c.1018G>A on transcript NM_006876.3 (MANE Select); coding-DNA position 1018, G replaced by A.
Protein change: p.Glu340Lys; replaces glutamic acid 340 with lysine.
Molecular consequence: missense variant.
Genome position (GRCh38, 1-based): chr11:66,346,528, C>T on the plus strand (G>A on the coding strand, the complement: B4GAT1 is on the minus strand). VCF-style: chr11-66346528-C-T. GRCh37 (hg19) VCF-style: chr11-66113999-C-T.
Other names: short protein forms E340K.
Identifiers: ClinVar variation 945642 (VCV000945642.7), dbSNP rs1441553616, ClinGen allele CA381417148.